The following is an entry in ClinVar:

ClinVar aggregate classification (germline): Uncertain significance. Review status: criteria provided, multiple submitters, no conflicts (2 of 4 stars). 2 submissions from 2 submitters: Uncertain significance (2). Last evaluated 2024-10-15.

Conditions:
Peroxisome biogenesis disorder 9B. Also called: PEX7-Related Refsum Disease; PEROXISOME BIOGENESIS DISORDER, PEX7-RELATED, ATYPICAL; Refsum disease, adult, 2. Identifiers: Orphanet 773, MedGen C2749346, MONDO:0013945, OMIM 614879.

Allele frequency attached by ClinVar (database versions not stated): gnomAD exomes 0.00001; ExAC 0.00002; gnomAD 0.00002; TOPMed 0.00003.

Submissions (2):

Labcorp Genetics (formerly Invitae), Labcorp
Classification: Uncertain significance for Peroxisome biogenesis disorder 9B. Last evaluated: 2024-10-15. Review status: criteria provided, single submitter. Criteria: Invitae Variant Classification Sherloc (09022015). Collection method: clinical testing. Allele origin: germline.
Comment: This sequence change replaces glutamic acid, which is acidic and polar, with lysine, which is basic and polar, at codon 80 of the PEX7 protein (p.Glu80Lys). This variant is present in population databases (rs756147829, gnomAD 0.007%). This variant has not been reported in the literature in individuals affected with PEX7-related conditions. ClinVar contains an entry for this variant (Variation ID: 2420845). An algorithm developed to predict the effect of missense changes on protein structure and function (PolyPhen-2) suggests that this variant is likely to be disruptive. In summary, the available evidence is currently insufficient to determine the role of this variant in disease. Therefore, it has been classified as a Variant of Uncertain Significance.

Blueprint Genetics
Classification: Uncertain significance. Last evaluated: 2023-09-18. Review status: criteria provided, single submitter. Criteria: ACMG Guidelines, 2015. Collection method: clinical testing. Allele origin: germline.

NM_000288.4(PEX7):c.238G>A (p.Glu80Lys)

Gene: PEX7 (peroxisomal biogenesis factor 7; plus strand). Cytogenetic location: 6q23.3.
Variant type: single nucleotide variant.
Coding change: c.238G>A on transcript NM_000288.4 (MANE Select); coding-DNA position 238, G replaced by A.
Protein change: p.Glu80Lys; replaces glutamic acid 80 with lysine.
Molecular consequence: missense variant.
Genome position (GRCh38, 1-based): chr6:136,826,368, G>A. VCF-style: chr6-136826368-G-A. GRCh37 (hg19) VCF-style: chr6-137147506-G-A.
Other names: c.124G>A, p.Glu42Lys (NM_001410945.1); short protein forms E42K, E80K.
Identifiers: ClinVar variation 2420845 (VCV002420845.4), dbSNP rs756147829, ClinGen allele CA4017534.